The following is an entry in ClinVar:

ClinVar aggregate classification (germline): Uncertain significance. Review status: criteria provided, multiple submitters, no conflicts (2 of 4 stars). 3 submissions from 3 submitters: Uncertain significance (2). 1 of the submissions does not count toward it. Last evaluated 2025-05-13.

Conditions:
FUS-related disorder. Also called: FUS-related condition.
Amyotrophic lateral sclerosis type 6. Also called: FUS-Related Amyotrophic Laterial Sclerosis; AMYOTROPHIC LATERAL SCLEROSIS 6 WITHOUT FRONTOTEMPORAL DEMENTIA; Amyotrophic lateral sclerosis 6, with or without frontotemporal dementia. Identifiers: Orphanet 275872, Orphanet 803, MedGen C2931786, MONDO:0011951, OMIM 608030.
Tremor, hereditary essential, 4 (ETM4). Identifiers: MedGen C3539195, MONDO:0013888, OMIM 614782.

Submissions (3):

Labcorp Genetics (formerly Invitae), Labcorp
Classification: Uncertain significance for Tremor, hereditary essential, 4; Amyotrophic lateral sclerosis type 6. Last evaluated: 2025-05-13. Review status: criteria provided, single submitter. Criteria: Invitae Variant Classification Sherloc (09022015). Collection method: clinical testing. Allele origin: germline.
Comment: This variant, c.691_693dup, results in the insertion of 1 amino acid(s) of the FUS protein (p.Gly231dup), but otherwise preserves the integrity of the reading frame. This variant is present in population databases (rs778725612, gnomAD 0.03%). This variant has not been reported in the literature in individuals affected with FUS-related conditions. In summary, the available evidence is currently insufficient to determine the role of this variant in disease. Therefore, it has been classified as a Variant of Uncertain Significance.

CeGaT Center for Human Genetics Tuebingen
Classification: Uncertain significance. Last evaluated: 2024-06-01. Review status: criteria provided, single submitter. Criteria: CeGaT Center For Human Genetics Tuebingen Variant Classification Criteria Version 2. Collection method: clinical testing. Allele origin: germline. Affected: yes. Observed: 1 variant allele.

PreventionGenetics, part of Exact Sciences
Classification: Likely benign for FUS-related condition. Last evaluated: 2024-04-22. Review status: no assertion criteria provided. Collection method: clinical testing. Allele origin: germline. Not counted in ClinVar's aggregate classification.
Comment: This variant is classified as likely benign based on ACMG/AMP sequence variant interpretation guidelines (Richards et al. 2015 PMID: 25741868, with internal and published modifications).

NM_004960.4(FUS):c.685GGT[4] (p.Gly231_Tyr232insGly)

Gene: FUS (FUS DNA/RNA binding protein; plus strand). Cytogenetic location: 16p11.2.
Variant type: Microsatellite.
Coding change: c.685GGT[4] on transcript NM_004960.4 (MANE Select); four copies in a row of the 3-base unit GGT starting at c.685; the reference has three copies in a row; one copy, 3 bases duplicated.
Protein change: p.Gly231_Tyr232insGly.
Molecular consequence: inframe insertion. On other transcripts: inframe indel (1), non-coding transcript variant (1).
Genome position (GRCh38, 1-based): chr16:31,185,106-31,185,108, GGT duplicated; duplicating any 3 consecutive bases within chr16:31,185,100-31,185,108 gives the same sequence; the position shown is the placement nearest the transcript's 3' end. VCF-style (leftmost placement, unchanged base first): chr16-31185099-C-CGGT. GRCh37 (hg19) VCF-style: chr16-31196420-C-CGGT.
Other names: c.691_693dupGGT (NM_004960.3); c.682GGT[4], p.Gly230_Tyr231insGly (NM_001170634.1); c.673GGT[4], p.Gly227_Tyr228insGly (NM_001170937.1); c.685_687GGT[4], p.Gly231_Tyr232insGly (NM_004960.3).
Identifiers: ClinVar variation 2198239 (VCV002198239.22), dbSNP rs757651881, ClinGen allele CA8023762.